The following is an entry in ClinVar:

ClinVar aggregate classification (germline): Benign (1 of 4 stars; one submission).

gnomAD v4.1: 26,427 of 1,613,114 alleles (1.6%); highest among the groups gnomAD compares: East Asian, 11%; 627 homozygotes.

Submission:

Mayo Clinic Laboratories, Mayo Clinic
Classification: Benign. Last evaluated: 2024-04-22. Review status: criteria provided, single submitter. Criteria: ACMG Guidelines, 2015. Collection method: clinical testing. Allele origin: germline. Observed: 11 variant alleles.
Comment: BA1, BS2, BS3, PM1_supporting

Literature cited by the submitters: PubMed 27659809.

NM_005845.5(ABCC4):c.2269G>A (p.Glu757Lys)

Gene: ABCC4 (ATP binding cassette subfamily C member 4 (PEL blood group); minus strand). Cytogenetic location: 13q32.1.
Variant type: single nucleotide variant.
Coding change: c.2269G>A on transcript NM_005845.5 (MANE Select); coding-DNA position 2269, G replaced by A.
Protein change: p.Glu757Lys; replaces glutamic acid 757 with lysine.
Molecular consequence: missense variant.
Genome position (GRCh38, 1-based): chr13:95,163,161, C>T on the plus strand (G>A on the coding strand, the complement: ABCC4 is on the minus strand). VCF-style: chr13-95163161-C-T. GRCh37 (hg19) VCF-style: chr13-95815415-C-T.
Other names: p.Glu757Lys; c.2269G>A, p.Glu757Lys (NM_001105515.3); c.2128G>A, p.Glu710Lys (NM_001301829.2); c.2044G>A, p.Glu682Lys (NM_001301830.2); short protein forms E682K, E710K, E757K.
Identifiers: ClinVar variation 4683814 (VCV004683814.1).